The following is an entry in ClinVar:

ClinVar aggregate classification (germline): Uncertain significance (1 of 4 stars; one submission).

Conditions:
Congenital myasthenic syndrome 8. Also called: MYASTHENIC SYNDROME, CONGENITAL, DUE TO AGRIN DEFICIENCY; Myasthenic syndrome, congenital, 8, with pre- and postsynaptic defects. Identifiers: Orphanet 590, MedGen C3808739, MONDO:0014052, OMIM 615120.

gnomAD v4.1: 1 of 1,612,708 alleles (0.000062%); highest among the groups gnomAD compares: African/African-American, 0.0013%; no homozygotes.

Submission:

Labcorp Genetics (formerly Invitae), Labcorp
Classification: Uncertain significance for Congenital myasthenic syndrome 8. Last evaluated: 2022-07-11. Review status: criteria provided, single submitter. Criteria: Invitae Variant Classification Sherloc (09022015). Collection method: clinical testing. Allele origin: germline.
Comment: In summary, the available evidence is currently insufficient to determine the role of this variant in disease. Therefore, it has been classified as a Variant of Uncertain Significance. Algorithms developed to predict the effect of missense changes on protein structure and function are either unavailable or do not agree on the potential impact of this missense change (SIFT: "Deleterious"; PolyPhen-2: "Probably Damaging"; Align-GVGD: "Class C0"). This variant has not been reported in the literature in individuals affected with AGRN-related conditions. This variant is present in population databases (rs17160776, gnomAD 0.007%). This sequence change replaces phenylalanine, which is neutral and non-polar, with leucine, which is neutral and non-polar, at codon 1690 of the AGRN protein (p.Phe1690Leu).

NM_198576.4(AGRN):c.5070C>G (p.Phe1690Leu)

Gene: AGRN (agrin; plus strand). Cytogenetic location: 1p36.33.
Variant type: single nucleotide variant.
Coding change: c.5070C>G on transcript NM_198576.4 (MANE Select); coding-DNA position 5070, C replaced by G.
Protein change: p.Phe1690Leu; replaces phenylalanine 1690 with leucine.
Molecular consequence: missense variant.
Genome position (GRCh38, 1-based): chr1:1,050,520, C>G. VCF-style: chr1-1050520-C-G. GRCh37 (hg19) VCF-style: chr1-985900-C-G.
Other names: c.5070C>G, p.Phe1690Leu (NM_001305275.2); c.4755C>G, p.Phe1585Leu (NM_001364727.2); short protein forms F1690L, F1585L.
Identifiers: ClinVar variation 1981763 (VCV001981763.4), dbSNP rs17160776, ClinGen allele CA509835.
Genomic context (GRCh38, chr1:1,050,520, plus strand): 5'-ACGAGGCCCCAGCGGCCTCCTGCTCTACAACGGGCAGAAGACGGACGGCAAGGGGGACTT[C>G]GTGTCGCTGGCACTGCGGGACCGCCGCCTGGAGTTCCGCTACGACCTGGGCAAGGGGGCA-3'
Protein context (NP_940978.2, residues 1680-1700): NGQKTDGKGD[Phe1690Leu]VSLALRDRRL